The following is an entry in ClinVar:

NM_031885.5(BBS2):c.1895G>C (p.Arg632Pro)

Gene: BBS2 (Bardet-Biedl syndrome 2; minus strand). Cytogenetic location: 16q13.
Variant type: single nucleotide variant.
Coding change: c.1895G>C on transcript NM_031885.5 (MANE Select); coding-DNA position 1895, G replaced by C.
Protein change: p.Arg632Pro; replaces arginine 632 with proline.
Molecular consequence: missense variant. On other transcripts: non-coding transcript variant (5).
Genome position (GRCh38, 1-based): chr16:56,496,982, C>G on the plus strand (G>C on the coding strand, the complement: BBS2 is on the minus strand). VCF-style: chr16-56496982-C-G. GRCh37 (hg19) VCF-style: chr16-56530894-C-G.
Other names: BBS2, ARG632PRO (rs138043021); NM_031885.4(BBS2):c.1895G>C; p.Arg632Pro; c.1895G>C (NM_031885.2); c.1895G>C, p.Arg632Pro (NM_001377456.1); short protein forms R632P.
Identifiers: ClinVar variation 4578 (VCV000004578.42), dbSNP rs138043021, ClinGen allele CA060272.

ClinVar aggregate classification (germline): Pathogenic/Likely pathogenic. Review status: criteria provided, multiple submitters, no conflicts (2 of 4 stars). 23 submissions from 21 submitters: Pathogenic (18); Likely pathogenic (1). 4 of the submissions do not count toward it. Last evaluated 2026-06-08.

Conditions:
Autosomal recessive BBS2-related disorders.
Inborn genetic diseases. Identifiers: MedGen C0950123, MeSH D030342.
Retinitis pigmentosa 74 (RP74). Identifiers: Orphanet 791, MedGen C4225281, MONDO:0014692, OMIM 616562.
Bardet-Biedl syndrome 2 (BBS2). Identifiers: Orphanet 110, MedGen C2936863, MONDO:0014432, OMIM 615981.
BBS2-related disorder. Also called: BBS2-related condition; BBS2-related disorders. Identifiers: MedGen CN239228.
Retinitis pigmentosa (RP). Identifiers: Orphanet 791, MedGen C0035334, MeSH D012174, MONDO:0019200, OMIM 268000. Inheritance: Autosomal dominant, autosomal recessive and X linked inheritance.
Bardet-Biedl syndrome (BBS). Identifiers: Orphanet 110, MedGen C0752166, MONDO:0015229.

Allele frequency attached by ClinVar (database versions not stated): ESP Exome Variant Server 0.00008; gnomAD 0.00010; TOPMed 0.00010.
gnomAD v4.1: 107 of 1,613,452 alleles (0.0066%); highest among the groups gnomAD compares: Non-Finnish European, 0.00085%; no homozygotes.

Submissions 1 to 13 of 23:

PreventionGenetics, part of Exact Sciences
Classification: Pathogenic for BBS2-related condition. Last evaluated: 2026-06-08. Review status: criteria provided, single submitter. Criteria: ACMG Guidelines, 2015. Collection method: clinical testing. Allele origin: germline.
Comment: The BBS2 c.1895G>C variant is predicted to result in the amino acid substitution p.Arg632Pro. This variant has been reported in multiple individuals with Bardet-Biedl syndrome (BBS), retinitis pigmentosa, and cone-rod dystrophy (reported as R634P in Katsanis et al. 2001. PubMed ID: 11567139; Bin et al. 2009. PubMed ID: 19402160; supplementary data, Consugar et al. 2015. PubMed ID: 25412400; Shevach et al. 2015. PubMed ID: 25541840). This variant is reported in 0.28% of alleles in individuals of Ashkenazi Jewish descent in gnomAD. This variant is interpreted as pathogenic.

Labcorp Genetics (formerly Invitae), Labcorp
Classification: Pathogenic for Bardet-Biedl syndrome. Last evaluated: 2026-01-19. Review status: criteria provided, single submitter. Criteria: Invitae Variant Classification Sherloc (09022015). Collection method: clinical testing. Allele origin: germline.
Comment: This sequence change replaces arginine, which is basic and polar, with proline, which is neutral and non-polar, at codon 632 of the BBS2 protein (p.Arg632Pro). This variant is present in population databases (rs138043021, gnomAD 0.3%). This missense change has been observed in individual(s) with retinitis pigmentosa (PMID: 21052717, 22401627, 25133751, 25412400, 25541840, 28559085). In at least one individual the data is consistent with being in trans (on the opposite chromosome) from a pathogenic variant. It has also been observed to segregate with disease in related individuals. ClinVar contains an entry for this variant (Variation ID: 4578). Invitae Evidence Modeling of protein sequence and biophysical properties (such as structural, functional, and spatial information, amino acid conservation, physicochemical variation, residue mobility, and thermodynamic stability) indicates that this missense variant is expected to disrupt BBS2 protein function with a positive predictive value of 80%. Experimental studies have shown that this missense change affects BBS2 function (PMID: 20498079). For these reasons, this variant has been classified as Pathogenic.

Natera, Inc.
Classification: Pathogenic for Bardet-Biedl syndrome type 2. Last evaluated: 2026-01-16. Review status: criteria provided, single submitter. Criteria: Natera Variant Classification Schema (03/2026). Collection method: clinical testing. Allele origin: germline.
Comment: The c.1895G>C variant in BBS2 is a missense variant predicted to cause substitution of arginine to proline at amino acid 632. The frequency of this variant in the general population is greater than expected for disorder. This variant has been observed in one or more individuals affected with the associated recessive disease, as either homozygous or compound heterozygous with a second variant (PMID: 11567139, 21052717, 21642631, 23829372, 27659767, 35886001). Additionally, this variant has been observed to segregate in affected family members (PMID: 11567139, 23829372). Computational prediction algorithms indicate this variant is likely to affect gene or protein function. Given the available evidence, this variant is classified as Pathogenic.

Variantyx, Inc.
Classification: Likely pathogenic for Autosomal recessive BBS2-related disorders. Last evaluated: 2025-10-01. Review status: criteria provided, single submitter. Criteria: Variantyx Assertion Criteria 2022. Collection method: clinical testing. Allele origin: germline. Inheritance: Autosomal recessive inheritance. Affected: no.
Comment: This is a nonsynonymous variant in the BBS2 gene (OMIM: 606151). Pathogenic variants in this gene have been associated with autosomal recessive BBS2-related disorders. This variant has been identified in the homozygous or compound heterozygous state in at least 5 individuals reported in the published literature (PMID: 11567139, 25541840, 28559085, 35886001) (PM3_Strong). Multiple computational algorithms predict a deleterious effect for this variant (REVEL score: 0.952) (PP3). This variant has a 0.0008% maximum allele frequency in non-founder control populations (PM2). Based on the current evidence, this variant is classified as likely pathogenic for autosomal recessive BBS2-related disorders.No other variant of clinical significance was identified in the BBS2 gene. A single pathogenic variant in a gene associated with autosomal recessive disease is generally insufficient to cause disease. Therefore, this finding likely represents carrier status.

Genetic Services Laboratory, University of Chicago
Classification: Pathogenic. Last evaluated: 2024-08-16. Review status: criteria provided, single submitter. Criteria: ACMG Guidelines, 2015. Collection method: clinical testing. Allele origin: germline. Affected: yes.
Comment: DNA sequence analysis of the BBS2 gene demonstrated a sequence change, c.1895G>C, in exon 15 that results in an amino acid change, p.Arg632Pro. The p.Arg632Pro change affects a highly conserved amino acid residue located in a domain of the BBS2 protein that is known to be functional. In-silico pathogenicity prediction tools (SIFT, PolyPhen2, Align GVGD, REVEL) provide contradictory results for the p.Arg632Pro substitution. This sequence change has previously been described in individual(s) with retinitis pigmentosa and Bardet-Biedl syndrome (PMID: 21052717, 23829372, 25412400, 25541840, 11567139, 28559085). Functional studies have shown that this sequence change affects BBS2 function (PMID: 20498079, 31530639). This sequence change has been described in the gnomAD database with a frequency of 0.26% in the Ashkenazi Jewish subpopulation (dbSNP rs138043021). These collective evidences indicate that this sequence change is pathogenic.

Revvity Omics, Revvity
Classification: Pathogenic. Last evaluated: 2024-08-12. Review status: criteria provided, single submitter. Criteria: ACMG Guidelines, 2015. Collection method: clinical testing. Allele origin: germline.

Blueprint Genetics
Classification: Pathogenic for BBS2-related disorders. Last evaluated: 2024-07-08. Review status: criteria provided, single submitter. Criteria: ACMG Guidelines, 2015. Collection method: clinical testing. Allele origin: germline. Affected: yes. Observed: 5 variant alleles.

GeneDx
Classification: Pathogenic. Last evaluated: 2024-07-05. Review status: criteria provided, single submitter. Criteria: GeneDx Variant Classification Process June 2021. Collection method: clinical testing. Allele origin: germline. Affected: yes.
Comment: Published functional studies demonstrate a damaging effect (PMID: 20498079); In silico analysis supports that this missense variant has a deleterious effect on protein structure/function; This variant is associated with the following publications: (PMID: 19402160, 11567139, 25541840, 31980526, 25412400, 32037395, 28559085, 31456290, 35886001, 35112343, 20498079, 37734845, 21642631, 25133751, 31964843, 21344540)

Fulgent Genetics
Classification: Pathogenic for Bardet-Biedl syndrome 2; Retinitis pigmentosa 74. Last evaluated: 2024-04-01. Review status: criteria provided, single submitter. Criteria: ACMG Guidelines, 2015. Collection method: clinical testing. Allele origin: germline.

Baylor Genetics
Classification: Pathogenic for Bardet-Biedl syndrome 2. Last evaluated: 2024-03-19. Review status: criteria provided, single submitter. Criteria: ACMG Guidelines, 2015. Collection method: clinical testing. Allele origin: unknown.

Department of Pathology and Laboratory Medicine, Sinai Health System
Classification: Pathogenic for Bardet-Biedl syndrome. Last evaluated: 2023-05-07. Review status: criteria provided, single submitter. Criteria: ACMG Guidelines, 2015. Collection method: research. Allele origin: germline.

Athena Diagnostics
Classification: Pathogenic. Last evaluated: 2023-02-06. Review status: criteria provided, single submitter. Criteria: Athena Diagnostics Criteria. Collection method: clinical testing. Allele origin: unknown.
Comment: The frequency of this variant in the general population is consistent with pathogenicity. (Genome Aggregation Database (gnomAD), Cambridge, MA (URL)) This variant appears to segregate with Bardet-Biedl syndrome in at least one family. Assessment of experimental evidence suggests this variant results in abnormal protein function. (PMID: 20798079) In multiple individuals, this variant has been seen with a single recessive pathogenic variant in the same gene, suggesting this variant may also be pathogenic.

New York Genome Center
Classification: Pathogenic for Retinitis pigmentosa 74; Bardet-Biedl syndrome 2. Last evaluated: 2022-07-22. Review status: criteria provided, single submitter. Criteria: NYGC Assertion Criteria 2020. Collection method: clinical testing. Allele origin: germline. Observed: 1 heterozygote.